The following is an entry in ClinVar:

ClinVar aggregate classification (germline): Uncertain significance (1 of 4 stars; one submission).

Allele frequency attached by ClinVar (database versions not stated): gnomAD 0.00001.
gnomAD v4.1: 1 of 1,614,070 alleles (0.000062%); highest among the groups gnomAD compares: African/African-American, 0.0013%; no homozygotes.

Submission:

Labcorp Genetics (formerly Invitae), Labcorp
Classification: Uncertain significance. Last evaluated: 2024-05-07. Review status: criteria provided, single submitter. Criteria: Invitae Variant Classification Sherloc (09022015). Collection method: clinical testing. Allele origin: germline.
Comment: This sequence change falls in intron 13 of the XPR1 gene. It does not directly change the encoded amino acid sequence of the XPR1 protein. It affects a nucleotide within the consensus splice site. This variant is not present in population databases (gnomAD no frequency). This variant has not been reported in the literature in individuals affected with XPR1-related conditions. ClinVar contains an entry for this variant (Variation ID: 1909057). Variants that disrupt the consensus splice site are a relatively common cause of aberrant splicing (PMID: 17576681, 9536098). Algorithms developed to predict the effect of sequence changes on RNA splicing suggest that this variant is not likely to affect RNA splicing. In summary, the available evidence is currently insufficient to determine the role of this variant in disease. Therefore, it has been classified as a Variant of Uncertain Significance.

Literature cited by the submitters: PubMed 17576681; PubMed 9536098.

NM_004736.4(XPR1):c.1809-3A>C

Gene: XPR1 (xenotropic and polytropic retrovirus receptor 1; plus strand). Cytogenetic location: 1q25.3.
Variant type: single nucleotide variant.
Coding change: c.1809-3A>C on transcript NM_004736.4 (MANE Select); 3 bases into the intron before coding-DNA position 1809, A replaced by C.
Molecular consequence: intron variant.
Genome position (GRCh38, 1-based): chr1:180,880,073, A>C. VCF-style: chr1-180880073-A-C. GRCh37 (hg19) VCF-style: chr1-180849209-A-C.
Other names: c.1614-3A>C (NM_001135669.2).
Identifiers: ClinVar variation 1909057 (VCV001909057.5), dbSNP rs1482372127, ClinGen allele CA891935720.
Genomic context (GRCh38, chr1:180,880,073, plus strand): 5'-TTTACAGGTAGCAGAAGTATGTTACAATTTCATAAGTACTTTGATCTACCCCATTTTGCT[A>C]AGGCGATTTGTGTGGAACTTCTTCCGCCTGGAGAATGAACATCTGAATAACTGTGGTGAA-3'